The following is an entry in ClinVar:

NM_004268.5(MED17):c.212C>T (p.Pro71Leu)

Genes: MED17 (mediator complex subunit 17; plus strand), LOC130006596 (ATAC-STARR-seq lymphoblastoid silent region 3840; plus strand). Cytogenetic location: 11q21.
Variant type: single nucleotide variant.
Coding change: c.212C>T on transcript NM_004268.5 (MANE Select); coding-DNA position 212, C replaced by T.
Protein change: p.Pro71Leu; replaces proline 71 with leucine.
Molecular consequence: missense variant.
Genome position (GRCh38, 1-based): chr11:93,784,725, C>T. VCF-style: chr11-93784725-C-T. GRCh37 (hg19) VCF-style: chr11-93517891-C-T.
Other names: c.212C>T (NM_004268.4); short protein forms P71L.
Identifiers: ClinVar variation 990607 (VCV000990607.3), dbSNP rs758004396, ClinGen allele CA6232266.
Genomic context (GRCh38, chr11:93,784,725, plus strand): 5'-AGGGTTCGGGCTCCGAGGAGGAGGAGGCGGCGGGGACCGAGGGCGACGCGCAGGAGTGGC[C>T]GGGCGCCGGGTCCAGCGCAGACCAGGACGACGAGGAAGGTAAGGCCTGCATCCGCTGCCC-3'
Protein context (NP_004259.3, residues 61-81): AGTEGDAQEW[Pro71Leu]GAGSSADQDD

ClinVar aggregate classification (germline): Uncertain significance. Review status: criteria provided, multiple submitters, no conflicts (2 of 4 stars). 3 submissions from 3 submitters: Uncertain significance (2). 1 of the submissions does not count toward it. Last evaluated 2026-01-21.

Conditions:
Inborn genetic diseases. Identifiers: MedGen C0950123, MeSH D030342.
Infantile cerebral and cerebellar atrophy with postnatal progressive microcephaly (MSBA). Identifiers: Orphanet 402364, MedGen C3150921, MONDO:0013351, OMIM 613668.

Allele frequency attached by ClinVar (database versions not stated): ExAC below 0.00001; gnomAD exomes 0.00001 and 0.00002; gnomAD 0.00006 and 0.00007; TOPMed 0.00007.
gnomAD v4.1: 24 of 1,544,290 alleles (0.0016%); highest among the groups gnomAD compares: Middle Eastern, 0.018%; no homozygotes.

Submissions (3):

Labcorp Genetics (formerly Invitae), Labcorp
Classification: Uncertain significance. Last evaluated: 2026-01-21. Review status: criteria provided, single submitter. Criteria: Invitae Variant Classification Sherloc (09022015). Collection method: clinical testing. Allele origin: germline.
Comment: This sequence change replaces proline, which is neutral and non-polar, with leucine, which is neutral and non-polar, at codon 71 of the MED17 protein (p.Pro71Leu). This variant is present in population databases (rs758004396, gnomAD 0.01%). This variant has not been reported in the literature in individuals affected with MED17-related conditions. ClinVar contains an entry for this variant (Variation ID: 990607). An algorithm developed to predict the effect of missense changes on protein structure and function (PolyPhen-2) suggests that this variant is likely to be tolerated. In summary, the available evidence is currently insufficient to determine the role of this variant in disease. Therefore, it has been classified as a Variant of Uncertain Significance.

Ambry Genetics
Classification: Uncertain significance for Inborn genetic diseases. Last evaluated: 2024-10-24. Review status: criteria provided, single submitter. Criteria: Ambry Variant Classification Scheme 2023. Collection method: clinical testing. Allele origin: germline.

Natera, Inc.
Classification: Uncertain significance for Postnatal progressive microcephaly with seizures and brain atrophy. Last evaluated: 2020-08-13. Review status: no assertion criteria provided. Collection method: clinical testing. Allele origin: germline. Not counted in ClinVar's aggregate classification.